The following is an entry in ClinVar:

NM_002968.3(SALL1):c.541G>A (p.Asp181Asn)

Gene: SALL1 (spalt like transcription factor 1; minus strand). Cytogenetic location: 16q12.1.
Variant type: single nucleotide variant.
Coding change: c.541G>A on transcript NM_002968.3 (MANE Select); coding-DNA position 541, G replaced by A.
Protein change: p.Asp181Asn; replaces aspartic acid 181 with asparagine.
Molecular consequence: missense variant.
Genome position (GRCh38, 1-based): chr16:51,141,681, C>T on the plus strand (G>A on the coding strand, the complement: SALL1 is on the minus strand). VCF-style: chr16-51141681-C-T. GRCh37 (hg19) VCF-style: chr16-51175592-C-T.
Other names: c.250G>A, p.Asp84Asn (NM_001127892.2); short protein forms D181N, D84N.
Identifiers: ClinVar variation 3350318 (VCV003350318.4).

ClinVar aggregate classification (germline): Uncertain significance. Review status: criteria provided, multiple submitters, no conflicts (2 of 4 stars). 3 submissions from 3 submitters: Uncertain significance (2). 1 of the submissions does not count toward it. Last evaluated 2025-12-24.

Conditions:
Townes syndrome (TBS). Also called: Townes-Brocks syndrome. Identifiers: Orphanet 857, MedGen C0265246, MeSH C536974, MONDO:0007142.
SALL1-related disorder. Also called: SALL1-related condition.

gnomAD v4.1: 6 of 1,613,442 alleles (0.00037%); highest among the groups gnomAD compares: East Asian, 0.0022%; no homozygotes.

Submissions (3):

Labcorp Genetics (formerly Invitae), Labcorp
Classification: Uncertain significance for Townes syndrome. Last evaluated: 2025-12-24. Review status: criteria provided, single submitter. Criteria: Invitae Variant Classification Sherloc (09022015). Collection method: clinical testing. Allele origin: germline.
Comment: This sequence change replaces aspartic acid, which is acidic and polar, with asparagine, which is neutral and polar, at codon 181 of the SALL1 protein (p.Asp181Asn). This variant is present in population databases (no rsID available, gnomAD 0.003%). This variant has not been reported in the literature in individuals affected with SALL1-related conditions. ClinVar contains an entry for this variant (Variation ID: 3350318). Invitae Evidence Modeling of protein sequence and biophysical properties (such as structural, functional, and spatial information, amino acid conservation, physicochemical variation, residue mobility, and thermodynamic stability) indicates that this missense variant is not expected to disrupt SALL1 protein function with a negative predictive value of 80%. In summary, the available evidence is currently insufficient to determine the role of this variant in disease. Therefore, it has been classified as a Variant of Uncertain Significance.

Blueprint Genetics
Classification: Uncertain significance. Last evaluated: 2024-10-23. Review status: criteria provided, single submitter. Criteria: ACMG Guidelines, 2015. Collection method: clinical testing. Allele origin: germline.

PreventionGenetics, part of Exact Sciences
Classification: Uncertain significance for SALL1-related condition. Last evaluated: 2024-03-28. Review status: no assertion criteria provided. Collection method: clinical testing. Allele origin: germline. Not counted in ClinVar's aggregate classification.
Comment: The SALL1 c.541G>A variant is predicted to result in the amino acid substitution p.Asp181Asn. To our knowledge, this variant has not been reported in the literature. This variant is reported in 0.0% of alleles in individuals of African descent in gnomAD. At this time, the clinical significance of this variant is uncertain due to the absence of conclusive functional and genetic evidence.